The following is an entry in ClinVar:

ClinVar aggregate classification (germline): Pathogenic (1 of 4 stars; one submission).

gnomAD v4.1: 2 of 1,613,604 alleles (0.00012%); highest among the groups gnomAD compares: African/African-American, 0.0013%; no homozygotes.

Submission:

Labcorp Genetics (formerly Invitae), Labcorp
Classification: Pathogenic. Last evaluated: 2025-04-24. Review status: criteria provided, single submitter. Criteria: Invitae Variant Classification Sherloc (09022015). Collection method: clinical testing. Allele origin: germline.
Comment: This sequence change creates a premature translational stop signal (p.Arg2032*) in the DCHS1 gene. It is expected to result in an absent or disrupted protein product. Loss-of-function variants in DCHS1 are known to be pathogenic (PMID: 24056717, 26258302). This variant is not present in population databases (gnomAD no frequency). This variant has not been reported in the literature in individuals affected with DCHS1-related conditions. ClinVar contains an entry for this variant (Variation ID: 3658905). For these reasons, this variant has been classified as Pathogenic.

Literature cited by the submitters: PubMed 24056717; PubMed 26258302.

NM_003737.4(DCHS1):c.6094C>T (p.Arg2032Ter)

Gene: DCHS1 (dachsous cadherin-related 1; minus strand). Cytogenetic location: 11p15.4.
Variant type: single nucleotide variant.
Coding change: c.6094C>T on transcript NM_003737.4 (MANE Select); coding-DNA position 6094, C replaced by T.
Protein change: p.Arg2032Ter; replaces arginine 2032 with a stop codon.
Molecular consequence: nonsense.
Genome position (GRCh38, 1-based): chr11:6,626,945, G>A on the plus strand (C>T on the coding strand, the complement: DCHS1 is on the minus strand). VCF-style: chr11-6626945-G-A. GRCh37 (hg19) VCF-style: chr11-6648176-G-A.
Other names: short protein forms R2032*.
Identifiers: ClinVar variation 3658905 (VCV003658905.2).
Genomic context (GRCh38, chr11:6,626,945, plus strand): 5'-CAGTGGCAGAGCGAGCTGGACGGCCAAGATCAGTGGCCACAATGAAGAGGACACGATCTC[G>A]GGGGCCTAGAGCTACAGGAGAGCGGGCCACGCGGATTTCACCAGTGTAAGAGTCCACAGT-3'